The following is an entry in ClinVar:

NM_016004.5(IFT52):c.414-9T>G

Gene: IFT52 (intraflagellar transport 52; plus strand). Cytogenetic location: 20q13.12.
Variant type: single nucleotide variant.
Coding change: c.414-9T>G on transcript NM_016004.5 (MANE Select); 9 bases into the intron before coding-DNA position 414, T replaced by G.
Molecular consequence: intron variant.
Genome position (GRCh38, 1-based): chr20:43,604,993, T>G. VCF-style: chr20-43604993-T-G. GRCh37 (hg19) VCF-style: chr20-42233633-T-G.
Other names: c.-258-9T>G (NM_001323578.2, NM_001323580.2); c.-351-9T>G (NM_001323579.2, NM_001323581.2); c.414-9T>G (NM_001303458.3, NM_001303459.3).
Identifiers: ClinVar variation 1949524 (VCV001949524.5), dbSNP rs370552658, ClinGen allele CA9866878.

ClinVar aggregate classification (germline): Uncertain significance (1 of 4 stars; one submission).

Allele frequency attached by ClinVar (database versions not stated): gnomAD exomes 0.00001; TOPMed 0.00001; ExAC 0.00002; ESP Exome Variant Server 0.00008.
gnomAD v4.1: 13 of 1,613,036 alleles (0.00081%); highest among the groups gnomAD compares: Admixed American, 0.0017%; no homozygotes.

Submission:

Labcorp Genetics (formerly Invitae), Labcorp
Classification: Uncertain significance. Last evaluated: 2022-06-23. Review status: criteria provided, single submitter. Criteria: Invitae Variant Classification Sherloc (09022015). Collection method: clinical testing. Allele origin: germline.
Comment: This variant is present in population databases (rs370552658, gnomAD 0.004%). This sequence change falls in intron 5 of the IFT52 gene. It does not directly change the encoded amino acid sequence of the IFT52 protein. This variant has not been reported in the literature in individuals affected with IFT52-related conditions. Algorithms developed to predict the effect of sequence changes on RNA splicing suggest that this variant may disrupt the consensus splice site. In summary, the available evidence is currently insufficient to determine the role of this variant in disease. Therefore, it has been classified as a Variant of Uncertain Significance.